The following is an entry in ClinVar:

ClinVar aggregate classification (germline): Pathogenic (1 of 4 stars; one submission).

Conditions:
Mucopolysaccharidosis type 1. Also called: IDUA deficiency; MPS I; Mucopolysaccharidosis Type I. Identifiers: Orphanet 579, MedGen C0023786, MONDO:0001586.

gnomAD v4.1: 1 of 1,453,456 alleles (0.000069%); highest among the groups gnomAD compares: Non-Finnish European, 0.00009%; no homozygotes.

Submission:

Myriad Genetics, Inc.
Classification: Pathogenic for Mucopolysaccharidosis type 1. Last evaluated: 2026-08-11. Review status: criteria provided, single submitter. Criteria: Myriad Autosomal Dominant, Autosomal Recessive and X-Linked Classification Criteria (2023). Collection method: clinical testing. Allele origin: unknown.
Comment: NM_000203.3(IDUA):c.1302G>A(W434*) is expected to be pathogenic in the context of mucopolysaccharidosis type I. This variant is predicted to lead to an abnormal or absent protein product due to the creation of a premature termination codon in IDUA, a gene where loss-of-function variants are known to be pathogenic. Please note: this variant was assessed in the context of healthy population screening.

NM_000203.5(IDUA):c.1302G>A (p.Trp434Ter)

Gene: IDUA (alpha-L-iduronidase; plus strand). Cytogenetic location: 4p16.3.
Variant type: single nucleotide variant.
Coding change: c.1302G>A on transcript NM_000203.5 (MANE Select); coding-DNA position 1302, G replaced by A.
Protein change: p.Trp434Ter; replaces tryptophan 434 with a stop codon.
Molecular consequence: nonsense. On other transcripts: non-coding transcript variant (1).
Genome position (GRCh38, 1-based): chr4:1,002,844, G>A. VCF-style: chr4-1002844-G-A. GRCh37 (hg19) VCF-style: chr4-996632-G-A.
Other names: c.906G>A, p.Trp302Ter (NM_001363576.1); short protein forms W302*, W434*.
Identifiers: ClinVar variation 5016228 (VCV005016228.1).